The following is an entry in ClinVar:

NM_001276345.2(TNNT2):c.199+4A>G

Gene: TNNT2 (troponin T2, cardiac type; minus strand). Cytogenetic location: 1q32.1.
Variant type: single nucleotide variant.
Coding change: c.199+4A>G on transcript NM_001276345.2 (MANE Select); 4 bases into the intron after coding-DNA position 199, A replaced by G.
Molecular consequence: intron variant.
Genome position (GRCh38, 1-based): chr1:201,367,767, T>C on the plus strand (A>G on the coding strand, the complement: TNNT2 is on the minus strand). VCF-style: chr1-201367767-T-C. GRCh37 (hg19) VCF-style: chr1-201336895-T-C.
Other names: c.154+4A>G (NM_001001432.3); c.169+4A>G (NM_001001431.3, NM_001001430.3, NM_001276347.2); c.196+4A>G (NM_001276346.2); c.199+4A>G (NM_000364.4).
Identifiers: ClinVar variation 2002316 (VCV002002316.4), dbSNP rs2527068596, ClinGen allele CA2580061873.

ClinVar aggregate classification (germline): Uncertain significance (1 of 4 stars; one submission).

Conditions:
Dilated cardiomyopathy 1D. Identifiers: Orphanet 154, Orphanet 54260, MedGen C1832243, MONDO:0011095, OMIM 601494.
Cardiomyopathy, familial restrictive, 3. Identifiers: Orphanet 75249, MedGen C2676271, MONDO:0012900, OMIM 612422.
Hypertrophic cardiomyopathy 2. Also called: TNNT2-Related Familial Hypertrophic Cardiomyopathy. Identifiers: MedGen C1861864, MONDO:0007266, OMIM 115195.

Submission:

Labcorp Genetics (formerly Invitae), Labcorp
Classification: Uncertain significance for Cardiomyopathy, familial restrictive, 3; Hypertrophic cardiomyopathy 2; Dilated cardiomyopathy 1D. Last evaluated: 2022-06-03. Review status: criteria provided, single submitter. Criteria: Invitae Variant Classification Sherloc (09022015). Collection method: clinical testing. Allele origin: germline.
Comment: This variant is not present in population databases (gnomAD no frequency). This sequence change falls in intron 6 of the TNNT2 gene. It does not directly change the encoded amino acid sequence of the TNNT2 protein. It affects a nucleotide within the consensus splice site. This variant has not been reported in the literature in individuals affected with TNNT2-related conditions. Variants that disrupt the consensus splice site are a relatively common cause of aberrant splicing (PMID: 17576681, 9536098). Algorithms developed to predict the effect of sequence changes on RNA splicing suggest that this variant is not likely to affect RNA splicing. In summary, the available evidence is currently insufficient to determine the role of this variant in disease. Therefore, it has been classified as a Variant of Uncertain Significance.

Literature cited by the submitters: PubMed 17576681; PubMed 9536098.